The following is an entry in ClinVar:

NM_000059.4(BRCA2):c.7225C>T (p.Pro2409Ser)

Gene: BRCA2 (BRCA2 DNA repair associated; plus strand). Cytogenetic location: 13q13.1.
Variant type: single nucleotide variant.
Coding change: c.7225C>T on transcript NM_000059.4 (MANE Select); coding-DNA position 7225, C replaced by T.
Protein change: p.Pro2409Ser; replaces proline 2409 with serine.
Molecular consequence: missense variant. On other transcripts: non-coding transcript variant (1).
Genome position (GRCh38, 1-based): chr13:32,355,078, C>T. VCF-style: chr13-32355078-C-T. GRCh37 (hg19) VCF-style: chr13-32929215-C-T.
Other names: c.7129C>T, p.Pro2377Ser (NM_001406719.1); c.7225C>T, p.Pro2409Ser (NM_001406720.1); c.2293C>T, p.Pro765Ser (NM_001406721.1); c.808C>T, p.Pro270Ser (NM_001406722.1); short protein forms P270S, P765S, P2409S, P2377S.
Identifiers: ClinVar variation 2798983 (VCV002798983.4), dbSNP rs2137557061, ClinGen allele CA387740206.
Genomic context (GRCh38, chr13:32,355,078, plus strand): 5'-AGAAATGAAAAAATGAGACACTTGATTACTACAGGCAGACCAACCAAAGTCTTTGTTCCA[C>T]CTTTTAAAACTAAATCACATTTTCACAGAGTTGAACAGTGTGTTAGGAATATTAACTTGG-3'
Protein context (NP_000050.3, residues 2399-2419): TGRPTKVFVP[Pro2409Ser]FKTKSHFHRV

ClinVar aggregate classification (germline): Uncertain significance. Review status: criteria provided, multiple submitters, no conflicts (2 of 4 stars). 2 submissions from 2 submitters: Uncertain significance (2). Last evaluated 2024-05-14.

Conditions:
Hereditary breast ovarian cancer syndrome. Also called: Hereditary breast and ovarian cancer syndrome; Hereditary breast and ovarian cancer syndrome (HBOC); Hereditary breast and/or ovarian cancer syndrome; Hereditary breast and ovarian cancer; Breast and ovarian cancer; BRCA1- and BRCA2-Associated Hereditary Breast and Ovarian Cancer. Identifiers: Orphanet 145, MedGen C0677776, MeSH D061325, MONDO:0003582. Disease mechanism: loss of function.
BRCA2-related cancer predisposition. Identifiers: MedGen CN377758, MONDO:0700269.

Submissions (2):

All of Us Research Program, National Institutes of Health
Classification: Uncertain significance for BRCA2-related cancer predisposition. Last evaluated: 2024-05-14. Review status: criteria provided, single submitter. Criteria: ACMG Guidelines, 2015. Collection method: clinical testing. Allele origin: germline. Inheritance: Autosomal dominant inheritance. Observed: 1 variant allele, 1 heterozygote.
Comment: This missense variant replaces proline with serine at codon 2409 of the BRCA2 protein. Computational prediction is inconclusive regarding the impact of this variant on protein structure and function. To our knowledge, functional studies have not been reported for this variant. This variant has been reported in an individual affected with early-onset breast cancer, with a family history of breast and ovarian cancer (PMID: 31336956). This variant has not been identified in the general population by the Genome Aggregation Database (gnomAD). The available evidence is insufficient to determine the role of this variant in disease conclusively. Therefore, this variant is classified as a Variant of Uncertain Significance.

This study involves interpretation of variants in research participants for the purpose of population health screening. Participant phenotype was not available at the time of variant classification. Additional details can be found in publication PMID: 35346344, PMCID: PMC8962531

Labcorp Genetics (formerly Invitae), Labcorp
Classification: Uncertain significance for Hereditary breast ovarian cancer syndrome. Last evaluated: 2023-03-19. Review status: criteria provided, single submitter. Criteria: Invitae Variant Classification Sherloc (09022015). Collection method: clinical testing. Allele origin: germline.
Comment: This sequence change replaces proline, which is neutral and non-polar, with serine, which is neutral and polar, at codon 2409 of the BRCA2 protein (p.Pro2409Ser). This variant is not present in population databases (gnomAD no frequency). This missense change has been observed in individual(s) with breast and/or ovarian cancer (PMID: 31336956, 32438681). It has also been observed to segregate with disease in related individuals. Advanced modeling of protein sequence and biophysical properties (such as structural, functional, and spatial information, amino acid conservation, physicochemical variation, residue mobility, and thermodynamic stability) performed at Invitae indicates that this missense variant is not expected to disrupt BRCA2 protein function. In summary, the available evidence is currently insufficient to determine the role of this variant in disease. Therefore, it has been classified as a Variant of Uncertain Significance.

Literature cited by the submitters: PubMed 31336956 (cited by All of Us Research Program, National Institutes of Health and Labcorp Genetics (formerly Invitae), Labcorp); PubMed 32438681 (cited by Labcorp Genetics (formerly Invitae), Labcorp).